The following is an entry in ClinVar:

NM_001793.6(CDH3):c.2419G>A (p.Asp807Asn)

Gene: CDH3 (cadherin 3; plus strand). Cytogenetic location: 16q22.1.
Variant type: single nucleotide variant.
Coding change: c.2419G>A on transcript NM_001793.6 (MANE Select); coding-DNA position 2419, G replaced by A.
Protein change: p.Asp807Asn; replaces aspartic acid 807 with asparagine.
Molecular consequence: missense variant. On other transcripts: 3 prime UTR variant (1).
Genome position (GRCh38, 1-based): chr16:68,698,329, G>A. VCF-style: chr16-68698329-G-A. GRCh37 (hg19) VCF-style: chr16-68732232-G-A.
Other names: c.*162G>A (NM_001317195.3); c.2254G>A, p.Asp752Asn (NM_001317196.2); short protein forms D807N, D752N.
Identifiers: ClinVar variation 320254 (VCV000320254.11), dbSNP rs535174122, ClinGen allele CA8129734.

ClinVar aggregate classification (germline): Conflicting classifications of pathogenicity. Review status: criteria provided, conflicting classifications (1 of 4 stars). 4 submissions from 4 submitters: Uncertain significance (3); Likely benign (1). Last evaluated 2023-06-27.

Conditions:
EEM syndrome (EEMS). Identifiers: Orphanet 1897, MedGen C1857041, MONDO:0009155, OMIM 225280.

Allele frequency attached by ClinVar (database versions not stated): gnomAD exomes 0.00005 and 0.00002; TOPMed 0.00005; gnomAD 0.00006; 1000 Genomes Project 30x 0.00016; 1000 Genomes Project 0.00020; ExAC 0.00004.
gnomAD v4.1: 44 of 1,614,212 alleles (0.0027%); highest among the groups gnomAD compares: East Asian, 0.071%; no homozygotes.

Submissions (4):

Blueprint Genetics
Classification: Likely benign. Last evaluated: 2023-06-27. Review status: criteria provided, single submitter. Criteria: ACMG Guidelines, 2015. Collection method: clinical testing. Allele origin: germline.

Labcorp Genetics (formerly Invitae), Labcorp
Classification: Uncertain significance. Last evaluated: 2022-09-07. Review status: criteria provided, single submitter. Criteria: Invitae Variant Classification Sherloc (09022015). Collection method: clinical testing. Allele origin: germline.
Comment: This sequence change replaces aspartic acid, which is acidic and polar, with asparagine, which is neutral and polar, at codon 807 of the CDH3 protein (p.Asp807Asn). This variant is present in population databases (rs535174122, gnomAD 0.06%). This variant has not been reported in the literature in individuals affected with CDH3-related conditions. ClinVar contains an entry for this variant (Variation ID: 320254). Algorithms developed to predict the effect of missense changes on protein structure and function output the following: SIFT: "Not Available"; PolyPhen-2: "Benign"; Align-GVGD: "Not Available". The asparagine amino acid residue is found in multiple mammalian species, which suggests that this missense change does not adversely affect protein function. In summary, the available evidence is currently insufficient to determine the role of this variant in disease. Therefore, it has been classified as a Variant of Uncertain Significance.

Illumina Laboratory Services, Illumina
Classification: Uncertain significance for EEM syndrome. Last evaluated: 2018-01-13. Review status: criteria provided, single submitter. Criteria: ICSL Variant Classification Criteria 13 December 2019. Collection method: clinical testing. Allele origin: germline.

Breakthrough Genomics
Classification: Uncertain significance. Review status: criteria provided, single submitter. Criteria: ACMG Guidelines, 2015. Collection method: not provided. Allele origin: germline. Inheritance: Autosomal recessive inheritance. Affected: yes.